The following is an entry in ClinVar:

ClinVar aggregate classification (germline): Uncertain significance (1 of 4 stars; one submission).

Submission:

Women's Health and Genetics/Laboratory Corporation of America, LabCorp
Classification: Uncertain significance. Last evaluated: 2026-05-21. Review status: criteria provided, single submitter. Criteria: LabCorp Variant Classification Summary - May 2015. Collection method: clinical testing. Allele origin: germline.
Comment: Variant summary: CBL c.464C>A (p.Ser155Tyr) results in a non-conservative amino acid change in the encoded protein sequence. Algorithms developed to predict the effect of missense changes on protein structure and function all suggest that this variant is likely to be disruptive. The variant was absent in 251464 control chromosomes. The available data on variant occurrences in the general population are insufficient to allow any conclusion about variant significance. To our knowledge, no occurrence of c.464C>A in individuals affected with CBL-related conditions and no experimental evidence demonstrating its impact on protein function have been reported. No submitters have cited clinical-significance assessments for this variant to ClinVar. Based on the evidence outlined above, the variant was classified as uncertain significance.

NM_005188.4(CBL):c.464C>A (p.Ser155Tyr)

Gene: CBL (Cbl proto-oncogene; plus strand). Cytogenetic location: 11q23.3.
Variant type: single nucleotide variant.
Coding change: c.464C>A on transcript NM_005188.4 (MANE Select); coding-DNA position 464, C replaced by A.
Protein change: p.Ser155Tyr; replaces serine 155 with tyrosine.
Molecular consequence: missense variant.
Genome position (GRCh38, 1-based): chr11:119,271,755, C>A. VCF-style: chr11-119271755-C-A. GRCh37 (hg19) VCF-style: chr11-119142465-C-A.
Other names: short protein forms S155Y.
Identifiers: ClinVar variation 4853720 (VCV004853720.1).